The following is an entry in ClinVar:

ClinVar aggregate classification (germline): Uncertain significance (1 of 4 stars; one submission).

gnomAD v4.1: 1 of 1,614,198 alleles (0.000062%); highest among the groups gnomAD compares: Non-Finnish European, 0.000085%; no homozygotes.

Submission:

Labcorp Genetics (formerly Invitae), Labcorp
Classification: Uncertain significance. Last evaluated: 2026-01-12. Review status: criteria provided, single submitter. Criteria: Invitae Variant Classification Sherloc (09022015). Collection method: clinical testing. Allele origin: germline.
Comment: This sequence change replaces methionine, which is neutral and non-polar, with isoleucine, which is neutral and non-polar, at codon 290 of the TAF6 protein (p.Met290Ile). This variant is not present in population databases (gnomAD no frequency). This variant has not been reported in the literature in individuals affected with TAF6-related conditions. Invitae Evidence Modeling of protein sequence and biophysical properties (such as structural, functional, and spatial information, amino acid conservation, physicochemical variation, residue mobility, and thermodynamic stability) indicates that this missense variant is not expected to disrupt TAF6 protein function with a negative predictive value of 80%. In summary, the available evidence is currently insufficient to determine the role of this variant in disease. Therefore, it has been classified as a Variant of Uncertain Significance.

NM_139315.3(TAF6):c.870G>A (p.Met290Ile)

Gene: TAF6 (TATA-box binding protein associated factor 6; minus strand). Cytogenetic location: 7q22.1.
Variant type: single nucleotide variant.
Coding change: c.870G>A on transcript NM_139315.3 (MANE Select); coding-DNA position 870, G replaced by A.
Protein change: p.Met290Ile; replaces methionine 290 with isoleucine.
Molecular consequence: missense variant. On other transcripts: non-coding transcript variant (1).
Genome position (GRCh38, 1-based): chr7:100,111,758, C>T on the plus strand (G>A on the coding strand, the complement: TAF6 is on the minus strand). VCF-style: chr7-100111758-C-T. GRCh37 (hg19) VCF-style: chr7-99709381-C-T.
Other names: c.981G>A, p.Met327Ile (NM_001190415.2); c.870G>A, p.Met290Ile (NM_001364998.1, NM_001364999.1, NM_005641.4); c.840G>A, p.Met280Ile (NM_001365000.1, NM_001365001.1, NM_001365002.1 and 1 more transcripts); c.1008G>A, p.Met336Ile (NM_001365004.1); short protein forms M327I, M280I, M290I, M336I.
Identifiers: ClinVar variation 4769285 (VCV004769285.1).